The following is an entry in ClinVar:

NM_005720.4(ARPC1B):c.823G>A (p.Ala275Thr)

Gene: ARPC1B (actin related protein 2/3 complex subunit 1B; plus strand). Cytogenetic location: 7q22.1.
Variant type: single nucleotide variant.
Coding change: c.823G>A on transcript NM_005720.4 (MANE Select); coding-DNA position 823, G replaced by A.
Protein change: p.Ala275Thr; replaces alanine 275 with threonine.
Molecular consequence: missense variant.
Genome position (GRCh38, 1-based): chr7:99,392,710, G>A. VCF-style: chr7-99392710-G-A. GRCh37 (hg19) VCF-style: chr7-98990333-G-A.
Other names: c.823G>A (NM_005720.3); short protein forms A275T.
Identifiers: ClinVar variation 1988175 (VCV001988175.2), dbSNP rs780469495, ClinGen allele CA4364148.

ClinVar aggregate classification (germline): Uncertain significance. Review status: criteria provided, multiple submitters, no conflicts (2 of 4 stars). 2 submissions from 2 submitters: Uncertain significance (2). Last evaluated 2023-12-16.

Conditions:
Inborn genetic diseases. Identifiers: MedGen C0950123, MeSH D030342.

Allele frequency attached by ClinVar (database versions not stated): TOPMed 0.00011; gnomAD 0.00015; ExAC 0.00025; gnomAD exomes 0.00046.
gnomAD v4.1: 647 of 1,546,454 alleles (0.042%); highest among the groups gnomAD compares: Non-Finnish European, 0.056%; no homozygotes.

Submissions (2):

Ambry Genetics
Classification: Uncertain significance for Inborn genetic diseases. Last evaluated: 2023-12-16. Review status: criteria provided, single submitter. Criteria: Ambry Variant Classification Scheme 2023. Collection method: clinical testing. Allele origin: germline.

Labcorp Genetics (formerly Invitae), Labcorp
Classification: Uncertain significance. Last evaluated: 2022-04-10. Review status: criteria provided, single submitter. Criteria: Invitae Variant Classification Sherloc (09022015). Collection method: clinical testing. Allele origin: germline.
Comment: This sequence change replaces alanine, which is neutral and non-polar, with threonine, which is neutral and polar, at codon 275 of the ARPC1B protein (p.Ala275Thr). This variant is present in population databases (rs780469495, gnomAD 0.03%). This variant has not been reported in the literature in individuals affected with ARPC1B-related conditions. Algorithms developed to predict the effect of missense changes on protein structure and function output the following: SIFT: "Tolerated"; PolyPhen-2: "Benign"; Align-GVGD: "Class C0". The threonine amino acid residue is found in multiple mammalian species, which suggests that this missense change does not adversely affect protein function. In summary, the available evidence is currently insufficient to determine the role of this variant in disease. Therefore, it has been classified as a Variant of Uncertain Significance.